The following is an entry in ClinVar:

NM_003072.5(SMARCA4):c.4171-1857T>G

Gene: SMARCA4 (SWI/SNF related BAF chromatin remodeling complex subunit ATPase 4; plus strand). Cytogenetic location: 19p13.2.
Variant type: single nucleotide variant.
Coding change: c.4171-1857T>G on transcript NM_003072.5 (MANE Select); 1857 bases into the intron before coding-DNA position 4171, T replaced by G.
Molecular consequence: intron variant.
Genome position (GRCh38, 1-based): chr19:11,039,450, T>G. VCF-style: chr19-11039450-T-G. GRCh37 (hg19) VCF-style: chr19-11150126-T-G.
Other names: c.4171-1857T>G (NM_001128844.3); c.4171-8T>G (NM_001128849.3, NM_001387283.1); c.4072-1857T>G (NM_001128847.4, NM_001374457.1, NM_001128848.2); c.4072-8T>G (NM_001411150.1); c.4072-1848T>G (NM_001128845.2, NM_001128846.2).
Identifiers: ClinVar variation 3646522 (VCV003646522.2).
Genomic context (GRCh38, chr19:11,039,450, plus strand): 5'-AGGGGAGGCTAAATTAGGGCACGTTGTGCACTGAAACACTAAACAGACATTAAAAAATTT[T>G]GTTGTAGAAAATTACAGGAAAAGATATCCATGACACAGCCAGCAGTGTGGCACGTGGGCT-3'

ClinVar aggregate classification (germline): Uncertain significance (1 of 4 stars; one submission).

Conditions:
Rhabdoid tumor predisposition syndrome 2 (RTPS2). Identifiers: Orphanet 231108, Orphanet 69077, MedGen C2750074, MONDO:0013224, OMIM 613325.

Submission:

Labcorp Genetics (formerly Invitae), Labcorp
Classification: Uncertain significance for Rhabdoid tumor predisposition syndrome 2. Last evaluated: 2024-05-18. Review status: criteria provided, single submitter. Criteria: Invitae Variant Classification Sherloc (09022015). Collection method: clinical testing. Allele origin: germline.
Comment: This sequence change falls in intron 29 of the SMARCA4 gene. It does not directly change the encoded amino acid sequence of the SMARCA4 protein. This variant is not present in population databases (gnomAD no frequency). This variant has not been reported in the literature in individuals affected with SMARCA4-related conditions. Studies have shown this variant is associated with skipping of exon 30, but one or more of the resulting mRNA isoform(s) may be naturally occurring (Invitae). In summary, the available evidence is currently insufficient to determine the role of this variant in disease. Therefore, it has been classified as a Variant of Uncertain Significance.